The following is an entry in ClinVar:

ClinVar aggregate classification (germline): Uncertain significance (1 of 4 stars; one submission).

Conditions:
Aortic aneurysm, familial thoracic 6 (AAT6). Also called: FAMILIAL THORACIC AORTIC ANEURYSM WITH LIVEDO RETICULARIS AND IRIS FLOCCULI. Identifiers: MedGen C2673186, MONDO:0012730, OMIM 611788.

Submission:

Labcorp Genetics (formerly Invitae), Labcorp
Classification: Uncertain significance for Aortic aneurysm, familial thoracic 6. Last evaluated: 2024-08-21. Review status: criteria provided, single submitter. Criteria: Invitae Variant Classification Sherloc (09022015). Collection method: clinical testing. Allele origin: germline.
Comment: This sequence change results in a frameshift in the ACTA2 gene (p.Thr353Profs*67). While this is not anticipated to result in nonsense mediated decay, it is expected to disrupt the last 25 amino acid(s) of the ACTA2 protein and extend the protein by 41 additional amino acid residues. This variant is not present in population databases (gnomAD no frequency). This frameshift has been observed in individual(s) with aortic dissection (internal data). Experimental studies and prediction algorithms are not available or were not evaluated, and the functional significance of this variant is currently unknown. In summary, the available evidence is currently insufficient to determine the role of this variant in disease. Therefore, it has been classified as a Variant of Uncertain Significance.

NM_001613.4(ACTA2):c.1056del (p.Thr353fs)

Genes: ACTA2 (actin alpha 2, smooth muscle; minus strand), ACTA2-AS1 (ACTA2 antisense RNA 1; plus strand). Cytogenetic location: 10q23.31.
Variant type: Deletion.
Coding change: c.1056del on transcript NM_001613.4 (MANE Select); coding-DNA position 1056, one base deleted (C; older notation c.1056delC).
Protein change: p.Thr353fs; shifts the reading frame from threonine 353.
Molecular consequence: frameshift variant. On other transcripts: non-coding transcript variant (1).
Genome position (GRCh38, 1-based): chr10:88,935,301, G deleted on the plus strand (C on the coding strand, the reverse complement: ACTA2 is on the minus strand); the first of 2 consecutive G bases (chr10:88,935,301-88,935,302); deleting either gives the same sequence. VCF-style (leftmost placement, unchanged base first): chr10-88935300-TG-T. GRCh37 (hg19) VCF-style: chr10-90695057-TG-T.
Other names: c.1056del, p.Thr353fs (NM_001141945.3, NM_001320855.2, NM_001406462.1 and 2 more transcripts); c.945del, p.Thr316fs (NM_001406466.1); c.927del, p.Thr310fs (NM_001406467.1, NM_001406468.1, NM_001406469.1); c.864del, p.Thr289fs (NM_001406471.1); short protein forms T316fs, T310fs, T289fs, T353fs.
Identifiers: ClinVar variation 3663184 (VCV003663184.2).